The following is an entry in ClinVar:

NM_000290.4(PGAM2):c.515T>G (p.Val172Gly)

Genes: DBNL (drebrin like; plus strand), PGAM2 (phosphoglycerate mutase 2; minus strand), LOC129998341 (ATAC-STARR-seq lymphoblastoid active region 25924; plus strand). Cytogenetic location: 7p13.
Variant type: single nucleotide variant.
Coding change: c.515T>G on transcript NM_000290.4 (MANE Select); coding-DNA position 515, T replaced by G.
Protein change: p.Val172Gly; replaces valine 172 with glycine.
Molecular consequence: missense variant. On other transcripts: 3 prime UTR variant (6).
Genome position (GRCh38, 1-based): chr7:44,064,912, A>C on the plus strand (T>G on the coding strand, the complement: PGAM2 is on the minus strand). VCF-style: chr7-44064912-A-C. GRCh37 (hg19) VCF-style: chr7-44104511-A-C.
Other names: c.*3996A>C (NM_001014436.3, NM_001122956.2, NM_001284313.2 and 3 more transcripts); c.515T>G (NM_000290.3); short protein forms V172G.
Identifiers: ClinVar variation 1380884 (VCV001380884.7), dbSNP rs370003298, ClinGen allele CA4236549.

ClinVar aggregate classification (germline): Uncertain significance. Review status: criteria provided, multiple submitters, no conflicts (2 of 4 stars). 2 submissions from 2 submitters: Uncertain significance (2). Last evaluated 2025-12-10.

Conditions:
Glycogen storage disease type X (GSD10). Also called: Dimauro disease; GSD X; MYOPATHY DUE TO PHOSPHOGLYCERATE MUTASE DEFICIENCY; PGAMM DEFICIENCY; PHOSPHOGLYCERATE MUTASE, MUSCLE, DEFICIENCY OF; Glycogen storage disease due to phosphoglycerate mutase deficiency. Identifiers: Orphanet 97234, MedGen C0268149, MONDO:0009865, OMIM 261670.
Inborn genetic diseases. Identifiers: MedGen C0950123, MeSH D030342.

Allele frequency attached by ClinVar (database versions not stated): TOPMed 0.00004; gnomAD 0.00006; ExAC 0.00007; ESP Exome Variant Server 0.00008.
gnomAD v4.1: 45 of 1,611,292 alleles (0.0028%); highest among the groups gnomAD compares: Non-Finnish European, 0.0036%; no homozygotes.

Submissions (2):

Labcorp Genetics (formerly Invitae), Labcorp
Classification: Uncertain significance for Glycogen storage disease type X. Last evaluated: 2025-12-10. Review status: criteria provided, single submitter. Criteria: Invitae Variant Classification Sherloc (09022015). Collection method: clinical testing. Allele origin: germline.
Comment: This sequence change replaces valine, which is neutral and non-polar, with glycine, which is neutral and non-polar, at codon 172 of the PGAM2 protein (p.Val172Gly). This variant is present in population databases (rs370003298, gnomAD 0.01%). This variant has not been reported in the literature in individuals affected with PGAM2-related conditions. ClinVar contains an entry for this variant (Variation ID: 1380884). Invitae Evidence Modeling of protein sequence and biophysical properties (such as structural, functional, and spatial information, amino acid conservation, physicochemical variation, residue mobility, and thermodynamic stability) indicates that this missense variant is not expected to disrupt PGAM2 protein function with a negative predictive value of 80%. In summary, the available evidence is currently insufficient to determine the role of this variant in disease. Therefore, it has been classified as a Variant of Uncertain Significance.

Ambry Genetics
Classification: Uncertain significance for Inborn genetic diseases. Last evaluated: 2024-10-25. Review status: criteria provided, single submitter. Criteria: Ambry Variant Classification Scheme 2023. Collection method: clinical testing. Allele origin: germline.